The following is an entry in ClinVar:

ClinVar aggregate classification (germline): Uncertain significance. Review status: criteria provided, multiple submitters, no conflicts (2 of 4 stars). 2 submissions from 2 submitters: Uncertain significance (2). Last evaluated 2024-05-08.

Conditions:
Catecholaminergic polymorphic ventricular tachycardia 1. Also called: RYR2-Related Catecholaminergic Polymorphic Ventricular Tachycardia; VENTRICULAR TACHYCARDIA, STRESS-INDUCED POLYMORPHIC 1; VENTRICULAR TACHYCARDIA, CATECHOLAMINERGIC POLYMORPHIC, 1, WITH OR WITHOUT ATRIAL DYSFUNCTION AND/OR DILATED CARDIOMYOPATHY. Identifiers: Orphanet 3286, MedGen C1631597, MONDO:0011484, OMIM 604772.

Submissions (2):

GeneDx
Classification: Uncertain significance. Last evaluated: 2024-05-08. Review status: criteria provided, single submitter. Criteria: GeneDx Variant Classification Process June 2021. Collection method: clinical testing. Allele origin: germline. Affected: yes.
Comment: Not observed at significant frequency in large population cohorts (gnomAD); Nonsense variant predicted to result in protein truncation or nonsense mediated decay in a gene or region of a gene for which loss of function is not a well-established mechanism of disease; Has not been previously published as pathogenic or benign to our knowledge

Labcorp Genetics (formerly Invitae), Labcorp
Classification: Uncertain significance for Catecholaminergic polymorphic ventricular tachycardia 1. Last evaluated: 2021-10-17. Review status: criteria provided, single submitter. Criteria: Invitae Variant Classification Sherloc (09022015). Collection method: clinical testing. Allele origin: germline.
Comment: In summary, the available evidence is currently insufficient to determine the role of this variant in disease. Therefore, it has been classified as a Variant of Uncertain Significance. This variant has not been reported in the literature in individuals affected with RYR2-related conditions. This variant is not present in population databases (ExAC no frequency). This sequence change creates a premature translational stop signal (p.Arg3495*) in the RYR2 gene. It is expected to result in an absent or disrupted protein product. However, the current clinical and genetic evidence is not sufficient to establish whether loss-of-function variants in RYR2 cause disease.

NM_001035.3(RYR2):c.10483C>T (p.Arg3495Ter)

Gene: RYR2 (ryanodine receptor 2; plus strand). Cytogenetic location: 1q43.
Variant type: single nucleotide variant.
Coding change: c.10483C>T on transcript NM_001035.3 (MANE Select); coding-DNA position 10483, C replaced by T.
Protein change: p.Arg3495Ter; replaces arginine 3495 with a stop codon.
Molecular consequence: nonsense.
Genome position (GRCh38, 1-based): chr1:237,717,357, C>T. VCF-style: chr1-237717357-C-T. GRCh37 (hg19) VCF-style: chr1-237880657-C-T.
Other names: c.10483C>T (NM_001035.2); short protein forms R3495*.
Identifiers: ClinVar variation 1413616 (VCV001413616.6), dbSNP rs2149100975, ClinGen allele CA345414907.